The following is an entry in ClinVar:

ClinVar aggregate classification (germline): Conflicting classifications of pathogenicity. Review status: criteria provided, conflicting classifications (1 of 4 stars). 5 submissions from 5 submitters: Uncertain significance (2); Benign (1); Likely benign (1). 1 of the submissions does not count toward it. Last evaluated 2026-04-01.

Conditions:
Primary ciliary dyskinesia. Also called: Ciliary dyskinesia. Identifiers: Orphanet 244, MedGen C0008780, MONDO:0016575, HP:0012265.
Inborn genetic diseases. Identifiers: MedGen C0950123, MeSH D030342.
DNAH9-related disorder. Also called: DNAH9-related condition.

Allele frequency attached by ClinVar (database versions not stated): TOPMed 0.00017; 1000 Genomes Project 30x 0.00031; ESP Exome Variant Server 0.00038; 1000 Genomes Project 0.00040; gnomAD exomes 0.00069 and 0.00096; gnomAD 0.00079 and 0.00083; ExAC 0.00106.
gnomAD v4.1: 1,123 of 1,613,124 alleles (0.07%); highest among the groups gnomAD compares: Non-Finnish European, 0.052%; no homozygotes.

Submissions (5):

Department of Human Genetics, Hannover Medical School
Classification: Uncertain significance for Primary Ciliary Dyskinesia. Last evaluated: 2026-04-01. Review status: criteria provided, single submitter. Criteria: ACMG Guidelines, 2015. Collection method: research. Allele origin: germline. Affected: no.
Comment: Classification performed by HerediClassify using the following criteria:['PM2_supporting: Variant occures does not occur as homozygous in gnomAD.', 'PP3_protein_moderate: Variant is predicted to be pathogenic by REVEL with evidence strength moderate.', "PP4_moderate: The PICADAR socre of 10.0 exceeds threshold of 8 achieving 'strong' evidence strength."]

Ambry Genetics
Classification: Uncertain significance for Inborn genetic diseases. Last evaluated: 2025-12-15. Review status: criteria provided, single submitter. Criteria: Ambry Variant Classification Scheme 2023. Collection method: clinical testing. Allele origin: germline.

Labcorp Genetics (formerly Invitae), Labcorp
Classification: Benign. Last evaluated: 2025-12-10. Review status: criteria provided, single submitter. Criteria: Invitae Variant Classification Sherloc (09022015). Collection method: clinical testing. Allele origin: germline.

Blueprint Genetics
Classification: Likely benign. Last evaluated: 2024-10-25. Review status: criteria provided, single submitter. Criteria: ACMG Guidelines, 2015. Collection method: clinical testing. Allele origin: germline.

PreventionGenetics, part of Exact Sciences
Classification: Likely benign for DNAH9-related condition. Last evaluated: 2019-07-12. Review status: no assertion criteria provided. Collection method: clinical testing. Allele origin: germline. Not counted in ClinVar's aggregate classification.
Comment: This variant is classified as likely benign based on ACMG/AMP sequence variant interpretation guidelines (Richards et al. 2015 PMID: 25741868, with internal and published modifications).

NM_001372.4(DNAH9):c.11057A>G (p.Tyr3686Cys)

Gene: DNAH9 (dynein axonemal heavy chain 9; plus strand). Cytogenetic location: 17p12.
Variant type: single nucleotide variant.
Coding change: c.11057A>G on transcript NM_001372.4 (MANE Select); coding-DNA position 11057, A replaced by G.
Protein change: p.Tyr3686Cys; replaces tyrosine 3686 with cysteine.
Molecular consequence: missense variant. On other transcripts: 5 prime UTR variant (1).
Genome position (GRCh38, 1-based): chr17:11,886,910, A>G. VCF-style: chr17-11886910-A-G. GRCh37 (hg19) VCF-style: chr17-11790227-A-G.
Other names: c.11057A>G (NM_001372.3); c.-8A>G (NM_004662.2); short protein forms Y3686C.
Identifiers: ClinVar variation 1563425 (VCV001563425.13), dbSNP rs145752160, ClinGen allele CA8397719.